The following is an entry in ClinVar:

ClinVar aggregate classification (germline): Uncertain significance. Review status: criteria provided, multiple submitters, no conflicts (2 of 4 stars). 2 submissions from 2 submitters: Uncertain significance (2). Last evaluated 2023-10-10.

Conditions:
Hereditary cancer-predisposing syndrome. Also called: Neoplastic Syndromes, Hereditary; Hereditary Cancer Syndrome; Hereditary neoplastic syndrome; Tumor predisposition. Identifiers: Orphanet 140162, MedGen C0027672, MeSH D009386, MONDO:0015356.
Familial adenomatous polyposis 1 (FAP1). Also called: FAMILIAL ADENOMATOUS POLYPOSIS 1, ATTENUATED; POLYPOSIS, ADENOMATOUS INTESTINAL. Identifiers: MedGen C2713442, MONDO:0021056, OMIM 175100. Disease mechanism: loss of function.

Allele frequency attached by ClinVar (database versions not stated): gnomAD exomes below 0.00001; ExAC 0.00001.
gnomAD v4.1: 1 of 1,614,014 alleles (0.000062%); highest among the groups gnomAD compares: South Asian, 0.0011%; no homozygotes.

Submissions (2):

Ambry Genetics
Classification: Uncertain significance for Hereditary cancer-predisposing syndrome. Last evaluated: 2023-10-10. Review status: criteria provided, single submitter. Criteria: Ambry Variant Classification Scheme 2023. Collection method: clinical testing. Allele origin: germline.
Comment: The p.T2255S variant (also known as c.6764C>G), located in coding exon 15 of the APC gene, results from a C to G substitution at nucleotide position 6764. The threonine at codon 2255 is replaced by serine, an amino acid with similar properties. This amino acid position is conserved. In addition, in silico predictors for this gene do not accurately predict pathogenicity. Since supporting evidence is limited at this time, the clinical significance of this alteration remains unclear.

Labcorp Genetics (formerly Invitae), Labcorp
Classification: Uncertain significance for Familial adenomatous polyposis 1. Last evaluated: 2021-01-31. Review status: criteria provided, single submitter. Criteria: Invitae Variant Classification Sherloc (09022015). Collection method: clinical testing. Allele origin: germline.
Comment: In summary, the available evidence is currently insufficient to determine the role of this variant in disease. Therefore, it has been classified as a Variant of Uncertain Significance. Algorithms developed to predict the effect of missense changes on protein structure and function (SIFT, PolyPhen-2, Align-GVGD) all suggest that this variant is likely to be tolerated, but these predictions have not been confirmed by published functional studies and their clinical significance is uncertain. This variant has not been reported in the literature in individuals with APC-related conditions. This variant is present in population databases (rs752399791, ExAC 0.006%). This sequence change replaces threonine with serine at codon 2255 of the APC protein (p.Thr2255Ser). The threonine residue is moderately conserved and there is a small physicochemical difference between threonine and serine.

NM_000038.6(APC):c.6764C>G (p.Thr2255Ser)

Gene: APC (APC regulator of Wnt signaling pathway; plus strand). Cytogenetic location: 5q22.2.
Variant type: single nucleotide variant.
Coding change: c.6764C>G on transcript NM_000038.6 (MANE Select); coding-DNA position 6764, C replaced by G.
Protein change: p.Thr2255Ser; replaces threonine 2255 with serine.
Molecular consequence: missense variant.
Genome position (GRCh38, 1-based): chr5:112,842,358, C>G. VCF-style: chr5-112842358-C-G. GRCh37 (hg19) VCF-style: chr5-112178055-C-G.
Other names: c.6764C>G (NM_000038.5); c.6764C>G, p.Thr2255Ser (NM_001127510.3, NM_001354895.2); c.6710C>G, p.Thr2237Ser (NM_001127511.3); c.6818C>G, p.Thr2273Ser (NM_001354896.2); c.6794C>G, p.Thr2265Ser (NM_001354897.2); c.6689C>G, p.Thr2230Ser (NM_001354898.2); c.6680C>G, p.Thr2227Ser (NM_001354899.2); c.6641C>G, p.Thr2214Ser (NM_001354900.2); and 6 more; short protein forms T1972S, T2095S, T2129S, T2154S, T2164S, T2196S, T2214S, T2227S.
Identifiers: ClinVar variation 1059383 (VCV001059383.49), dbSNP rs752399791, ClinGen allele CA046051.